The following is an entry in ClinVar:

ClinVar aggregate classification (germline): Uncertain significance (1 of 4 stars; one submission).

Conditions:
Ataxia-telangiectasia syndrome (AT). Also called: ATAXIA-TELANGIECTASIA, COMPLEMENTATION GROUP A; ATAXIA-TELANGIECTASIA, FRESNO VARIANT; Ataxia-telangiectasia; Ataxia-telangiectasia, complementation group E; LOUIS-BAR SYNDROME; Cerebello-oculocutaneous telangiectasia. Identifiers: Orphanet 100, MedGen C0004135, MONDO:0008840, OMIM 208900.

Submission:

Labcorp Genetics (formerly Invitae), Labcorp
Classification: Uncertain significance for Ataxia-telangiectasia syndrome. Last evaluated: 2024-01-05. Review status: criteria provided, single submitter. Criteria: Invitae Variant Classification Sherloc (09022015). Collection method: clinical testing. Allele origin: germline.
Comment: This sequence change replaces serine, which is neutral and polar, with tyrosine, which is neutral and polar, at codon 2259 of the ATM protein (p.Ser2259Tyr). This variant is not present in population databases (gnomAD no frequency). This variant has not been reported in the literature in individuals affected with ATM-related conditions. An algorithm developed to predict the effect of missense changes on protein structure and function (PolyPhen-2) suggests that this variant is likely to be disruptive. In summary, the available evidence is currently insufficient to determine the role of this variant in disease. Therefore, it has been classified as a Variant of Uncertain Significance.

NM_000051.4(ATM):c.6776C>A (p.Ser2259Tyr)

Genes: ATM (ATM serine/threonine kinase; plus strand), C11orf65 (chromosome 11 open reading frame 65; minus strand). Cytogenetic location: 11q22.3.
Variant type: single nucleotide variant.
Coding change: c.6776C>A on transcript NM_000051.4 (MANE Select); coding-DNA position 6776, C replaced by A.
Protein change: p.Ser2259Tyr; replaces serine 2259 with tyrosine.
Molecular consequence: missense variant. On other transcripts: intron variant (2).
Genome position (GRCh38, 1-based): chr11:108,325,513, C>A. VCF-style: chr11-108325513-C-A. GRCh37 (hg19) VCF-style: chr11-108196240-C-A.
Other names: c.6776C>A, p.Ser2259Tyr (NM_001351834.2); c.641-16442G>T (NM_001330368.2); c.*38+9707G>T (NM_001351110.2); short protein forms S2259Y.
Identifiers: ClinVar variation 3022318 (VCV003022318.3), dbSNP rs786202094, ClinGen allele CA382555434.